The following is an entry in ClinVar:

ClinVar aggregate classification (germline): Uncertain significance. Review status: criteria provided, multiple submitters, no conflicts (2 of 4 stars). 3 submissions from 3 submitters: Uncertain significance (3). Last evaluated 2024-01-24.

Conditions:
Retinal dystrophy. Also called: Inherited retinal dystrophy. Identifiers: Orphanet 71862, MedGen C0854723, MeSH D058499, MONDO:0019118, HP:0000556.

Allele frequency attached by ClinVar (database versions not stated): ExAC 0.00001; gnomAD 0.00001; gnomAD exomes 0.00001; TOPMed 0.00002.
gnomAD v4.1: 11 of 1,614,118 alleles (0.00068%); highest among the groups gnomAD compares: South Asian, 0.0033%; no homozygotes.

Submissions (3):

Blueprint Genetics
Classification: Uncertain significance. Last evaluated: 2024-01-24. Review status: criteria provided, single submitter. Criteria: ACMG Guidelines, 2015. Collection method: clinical testing. Allele origin: germline.

Dept Of Ophthalmology, Nagoya University
Classification: Uncertain significance for Retinal dystrophy. Last evaluated: 2023-10-01. Review status: criteria provided, single submitter. Criteria: Submitter's publication. Collection method: research. Allele origin: germline. Affected: yes.

Labcorp Genetics (formerly Invitae), Labcorp
Classification: Uncertain significance. Last evaluated: 2020-07-02. Review status: criteria provided, single submitter. Criteria: Invitae Variant Classification Sherloc (09022015). Collection method: clinical testing. Allele origin: germline.
Comment: In summary, the available evidence is currently insufficient to determine the role of this variant in disease. Therefore, it has been classified as a Variant of Uncertain Significance. This variant disrupts the p.Arg135 amino acid residue in RHO. Other variant(s) that disrupt this residue have been determined to be pathogenic (PMID: 1862076, 18175313). This suggests that this residue is clinically significant, and that variants that disrupt this residue are likely to be disease-causing. This variant has been reported to have conflicting or insufficient data to determine the effect on RHO protein function (PMID: 9538004, 2573063, 8099498). This variant has not been reported in the literature in individuals with RHO-related conditions. This variant is present in population databases (rs104893774, ExAC 0.001%). This sequence change replaces arginine with glutamine at codon 135 of the RHO protein (p.Arg135Gln). The arginine residue is highly conserved and there is a small physicochemical difference between arginine and glutamine.

Literature cited by the submitters: PubMed 1862076 (cited by Labcorp Genetics (formerly Invitae), Labcorp); PubMed 18175313 (cited by Labcorp Genetics (formerly Invitae), Labcorp); PubMed 9538004 (cited by Labcorp Genetics (formerly Invitae), Labcorp); PubMed 2573063 (cited by Labcorp Genetics (formerly Invitae), Labcorp); PubMed 8099498 (cited by Labcorp Genetics (formerly Invitae), Labcorp).

NM_000539.3(RHO):c.404G>A (p.Arg135Gln)

Gene: RHO (rhodopsin; plus strand). Cytogenetic location: 3q22.1.
Variant type: single nucleotide variant.
Coding change: c.404G>A on transcript NM_000539.3 (MANE Select); coding-DNA position 404, G replaced by A.
Protein change: p.Arg135Gln; replaces arginine 135 with glutamine.
Molecular consequence: missense variant.
Genome position (GRCh38, 1-based): chr3:129,530,918, G>A. VCF-style: chr3-129530918-G-A. GRCh37 (hg19) VCF-style: chr3-129249761-G-A.
Other names: short protein forms R135Q.
Identifiers: ClinVar variation 1002018 (VCV001002018.10), dbSNP rs104893774, ClinGen allele CA2607152.